The following is an entry in ClinVar:

ClinVar aggregate classification (germline): Uncertain significance (1 of 4 stars; one submission).

Conditions:
KMT2D-related disorder. Also called: KMT2D-Related Disorders.

gnomAD v4.1: 1 of 1,614,000 alleles (0.000062%); highest among the groups gnomAD compares: Non-Finnish European, 0.000085%; no homozygotes.

Submission:

PreventionGenetics, part of Exact Sciences
Classification: Uncertain significance for KMT2D-related condition. Last evaluated: 2025-07-19. Review status: criteria provided, single submitter. Criteria: ACMG Guidelines, 2015. Collection method: clinical testing. Allele origin: germline.
Comment: The KMT2D c.7689C>G variant is predicted to result in the amino acid substitution p.Asn2563Lys. To our knowledge, this variant has not been reported in the literature or in a large population database (gnomAD), indicating this variant is rare. At this time, the clinical significance of this variant is uncertain due to the absence of conclusive functional and genetic evidence.

NM_003482.4(KMT2D):c.7689C>G (p.Asn2563Lys)

Gene: KMT2D (lysine methyltransferase 2D; minus strand). Cytogenetic location: 12q13.12.
Variant type: single nucleotide variant.
Coding change: c.7689C>G on transcript NM_003482.4 (MANE Select); coding-DNA position 7689, C replaced by G.
Protein change: p.Asn2563Lys; replaces asparagine 2563 with lysine.
Molecular consequence: missense variant.
Genome position (GRCh38, 1-based): chr12:49,040,081, G>C on the plus strand (C>G on the coding strand, the complement: KMT2D is on the minus strand). VCF-style: chr12-49040081-G-C. GRCh37 (hg19) VCF-style: chr12-49433864-G-C.
Other names: short protein forms N2563K.
Identifiers: ClinVar variation 4998505 (VCV004998505.1).
Genomic context (GRCh38, chr12:49,040,081, plus strand): 5'-GGCTACTGTGTAGTTTGTGCTTTGAGGCTTGCCCAAGGTGGGGCCGGGCCCAAAATGGCT[G>C]TTGATCCCATGGGGTGGCGGGAGACCAGGCTGAGGGACAGGGGGCTTTAGGGAAGGCTCC-3'
Protein context (NP_003473.3, residues 2553-2573): QPGLPPPHGI[Asn2563Lys]SHFGPGPTLG